The following is an entry in ClinVar:

NM_000548.5(TSC2):c.2855C>A (p.Pro952His)

Gene: TSC2 (TSC complex subunit 2; plus strand). Cytogenetic location: 16p13.3.
Variant type: single nucleotide variant.
Coding change: c.2855C>A on transcript NM_000548.5 (MANE Select); coding-DNA position 2855, C replaced by A.
Protein change: p.Pro952His; replaces proline 952 with histidine.
Molecular consequence: missense variant. On other transcripts: intron variant (31).
Genome position (GRCh38, 1-based): chr16:2,077,615, C>A. VCF-style: chr16-2077615-C-A. GRCh37 (hg19) VCF-style: chr16-2127616-C-A.
Other names: c.2855C>A, p.Pro952His (NM_001114382.3, NM_001406663.1, NM_001406664.1); c.2744C>A, p.Pro915His (NM_001406670.1); c.2708C>A, p.Pro903His (NM_001406675.1, NM_001406676.1); c.2255C>A, p.Pro752His (NM_001406680.1, NM_001406682.1, NM_001406683.1 and 1 more transcripts); c.1511C>A, p.Pro504His (NM_001406689.1); c.1493+1030C>A (NM_001406693.1, NM_001406690.1, NM_001406692.1 and 5 more transcripts); c.2927+1030C>A (NM_001406667.1, NM_001406668.1); c.2237+1030C>A (NM_001406687.1, NM_001406685.1, NM_001318831.2 and 2 more transcripts); and 8 more; short protein forms P504H, P752H, P903H, P915H, P952H.
Identifiers: ClinVar variation 2503256 (VCV002503256.4), dbSNP rs2089578491, ClinGen allele CA394280821.

ClinVar aggregate classification (germline): Uncertain significance. Review status: criteria provided, multiple submitters, no conflicts (2 of 4 stars). 3 submissions from 3 submitters: Uncertain significance (3). Last evaluated 2025-01-27.

Conditions:
Tuberous sclerosis 2 (TSC2). Identifiers: Orphanet 805, MedGen C1860707, MONDO:0013199, OMIM 613254.
Hereditary cancer-predisposing syndrome. Also called: Tumor predisposition; Hereditary neoplastic syndrome; Neoplastic Syndromes, Hereditary; Hereditary Cancer Syndrome. Identifiers: Orphanet 140162, MedGen C0027672, MeSH D009386, MONDO:0015356.

Submissions (3):

Ambry Genetics
Classification: Uncertain significance for Hereditary cancer-predisposing syndrome. Last evaluated: 2025-01-27. Review status: criteria provided, single submitter. Criteria: Ambry Variant Classification Scheme 2023. Collection method: clinical testing. Allele origin: germline.
Comment: The p.P952H variant (also known as c.2855C>A), located in coding exon 25 of the TSC2 gene, results from a C to A substitution at nucleotide position 2855. The proline at codon 952 is replaced by histidine, an amino acid with similar properties. This amino acid position is conserved. In addition, the in silico prediction for this alteration is inconclusive. Based on the available evidence, the clinical significance of this variant remains unclear.

Labcorp Genetics (formerly Invitae), Labcorp
Classification: Uncertain significance for Tuberous sclerosis 2. Last evaluated: 2024-02-10. Review status: criteria provided, single submitter. Criteria: Invitae Variant Classification Sherloc (09022015). Collection method: clinical testing. Allele origin: germline.
Comment: This sequence change replaces proline, which is neutral and non-polar, with histidine, which is basic and polar, at codon 952 of the TSC2 protein (p.Pro952His). This variant is not present in population databases (gnomAD no frequency). This variant has not been reported in the literature in individuals affected with TSC2-related conditions. ClinVar contains an entry for this variant (Variation ID: 2503256). Advanced modeling of protein sequence and biophysical properties (such as structural, functional, and spatial information, amino acid conservation, physicochemical variation, residue mobility, and thermodynamic stability) performed at Invitae indicates that this missense variant is not expected to disrupt TSC2 protein function with a negative predictive value of 95%. In summary, the available evidence is currently insufficient to determine the role of this variant in disease. Therefore, it has been classified as a Variant of Uncertain Significance.

GeneDx
Classification: Uncertain significance. Last evaluated: 2022-11-25. Review status: criteria provided, single submitter. Criteria: GeneDx Variant Classification Process June 2021. Collection method: clinical testing. Allele origin: germline. Affected: yes.
Comment: Not observed at significant frequency in large population cohorts (gnomAD); In silico analysis supports that this missense variant does not alter protein structure/function; Has not been previously published as pathogenic or benign to our knowledge